The following is an entry in ClinVar:

NM_020822.3(KCNT1):c.855-10G>A

Gene: KCNT1 (potassium sodium-activated channel subfamily T member 1; plus strand). Cytogenetic location: 9q34.3.
Variant type: single nucleotide variant.
Coding change: c.855-10G>A on transcript NM_020822.3 (MANE Select); 10 bases into the intron before coding-DNA position 855, G replaced by A.
Molecular consequence: intron variant. On other transcripts: splice acceptor variant (1).
Genome position (GRCh38, 1-based): chr9:135,759,669, G>A. VCF-style: chr9-135759669-G-A. GRCh37 (hg19) VCF-style: chr9-138651515-G-A.
Other names: c.711-1G>A (NM_001272003.2).
Identifiers: ClinVar variation 384371 (VCV000384371.7), dbSNP rs1057521940, ClinGen allele CA16605593.
Genomic context (GRCh38, chr9:135,759,669, plus strand): 5'-AGGATCTCTGAGGGGCCACGGCCCCCCAGCTCCTGGGCCCCAGGCCGCCCCTCACTGCCA[G>A]GGGTTGCAGGACCTGCGGCATCCAGCACCTGGAGCGGGCGGGCGAGAACCTGTCCCTCCT-3'

ClinVar aggregate classification (germline): Uncertain significance. Review status: criteria provided, multiple submitters, no conflicts (2 of 4 stars). 2 submissions from 2 submitters: Uncertain significance (2). Last evaluated 2025-08-18.

Conditions:
Developmental and epileptic encephalopathy, 14 (DEE14). Also called: Early infantile epileptic encephalopathy 14. Identifiers: Orphanet 293181, MedGen C3554195, MONDO:0013989, OMIM 614959.
Autosomal dominant nocturnal frontal lobe epilepsy 5. Also called: KCNT1-Related Epilepsy; CILIARY DYSKINESIA, PRIMARY, 28, WITHOUT SITUS INVERSUS; CILIARY DYSKINESIA, PRIMARY, 28, WITH SITUS INVERSUS; Epilepsy, nocturnal frontal lobe, 5. Identifiers: Orphanet 98784, MedGen C3554306, MONDO:0014002, OMIM 615005.

Allele frequency attached by ClinVar (database versions not stated): gnomAD exomes below 0.00001.
gnomAD v4.1: 6 of 1,593,196 alleles (0.00038%); highest among the groups gnomAD compares: Non-Finnish European, 0.00051%; no homozygotes.

Submissions (2):

Labcorp Genetics (formerly Invitae), Labcorp
Classification: Uncertain significance for Autosomal dominant nocturnal frontal lobe epilepsy 5; Developmental and epileptic encephalopathy, 14. Last evaluated: 2025-08-18. Review status: criteria provided, single submitter. Criteria: Invitae Variant Classification Sherloc (09022015). Collection method: clinical testing. Allele origin: germline.
Comment: This sequence change falls in intron 10 of the KCNT1 gene. It does not directly change the encoded amino acid sequence of the KCNT1 protein. This variant is not present in population databases (gnomAD no frequency). This variant has not been reported in the literature in individuals affected with KCNT1-related conditions. ClinVar contains an entry for this variant (Variation ID: 384371). Algorithms developed to predict the effect of sequence changes on RNA splicing suggest that this variant may create or strengthen a splice site. In summary, the available evidence is currently insufficient to determine the role of this variant in disease. Therefore, it has been classified as a Variant of Uncertain Significance.

GeneDx
Classification: Uncertain significance. Last evaluated: 2023-06-15. Review status: criteria provided, single submitter. Criteria: GeneDx Variant Classification Process June 2021. Collection method: clinical testing. Allele origin: germline. Affected: yes.
Comment: Not observed at significant frequency in large population cohorts (gnomAD); In silico analysis supports a deleterious effect on splicing; Has not been previously published as pathogenic or benign to our knowledge